The following is an entry in ClinVar:

ClinVar aggregate classification (germline): Benign/Likely benign. Review status: criteria provided, multiple submitters, no conflicts (2 of 4 stars). 20 submissions from 18 submitters: Benign (4); Likely benign (10). 6 of the submissions do not count toward it. Last evaluated 2026-02-03.

Conditions:
FLNC-related disorder. Also called: FLNC-related condition; FLNC-related disorders.
Cardiomyopathy (CMYO). Also called: Cardiomyopathies. Identifiers: Orphanet 167848, MedGen C0878544, MONDO:0004994, HP:0001638. Inheritance: Various modes of inheritance.
Myofibrillar myopathy 5. Also called: FILAMINOPATHY, AUTOSOMAL DOMINANT; Filaminopathy (type). Identifiers: Orphanet 171445, MedGen C1836050, MONDO:0012289, OMIM 609524.
Cardiovascular phenotype. Identifiers: MedGen CN230736.
Hypertrophic cardiomyopathy 26. Also called: Cardiomyopathy, familial hypertrophic, 26. Identifiers: Orphanet 75249, MedGen C4310749, MONDO:0014883, OMIM 617047.
Distal myopathy with posterior leg and anterior hand involvement. Also called: WILLIAMS DISTAL MYOPATHY. Identifiers: Orphanet 63273, MedGen C3279722, MONDO:0013550, OMIM 614065.

Allele frequency attached by ClinVar (database versions not stated): 1000 Genomes Project 30x 0.00016; 1000 Genomes Project 0.00020; gnomAD 0.00071 and 0.00076; ESP Exome Variant Server 0.00072; TOPMed 0.00076; gnomAD exomes 0.00087 and 0.00128; ExAC 0.00112.
gnomAD v4.1: 1,968 of 1,613,380 alleles (0.12%); highest among the groups gnomAD compares: Non-Finnish European, 0.15%; 1 homozygote.

Submissions (20):

Labcorp Genetics (formerly Invitae), Labcorp
Classification: Likely benign for Distal myopathy with posterior leg and anterior hand involvement; Myofibrillar myopathy 5; Hypertrophic cardiomyopathy 26. Last evaluated: 2026-02-03. Review status: criteria provided, single submitter. Criteria: Invitae Variant Classification Sherloc (09022015). Collection method: clinical testing. Allele origin: germline.

Women's Health and Genetics/Laboratory Corporation of America, LabCorp
Classification: Likely benign. Last evaluated: 2025-05-12. Review status: criteria provided, single submitter. Criteria: LabCorp Variant Classification Summary - May 2015. Collection method: clinical testing. Allele origin: germline.

Molecular Diagnostic Laboratory for Inherited Cardiovascular Disease, Montreal Heart Institute
Classification: Benign. Last evaluated: 2025-04-09. Review status: criteria provided, single submitter. Criteria: ACMG Guidelines, 2015. Collection method: clinical testing. Allele origin: germline. Affected: no.

Mayo Clinic Laboratories, Mayo Clinic
Classification: Likely benign. Last evaluated: 2025-02-06. Review status: criteria provided, single submitter. Criteria: ACMG Guidelines, 2015. Collection method: clinical testing. Allele origin: germline. Observed: 6 variant alleles.
Comment: BS1

CeGaT Center for Human Genetics Tuebingen
Classification: Likely benign. Last evaluated: 2025-01-01. Review status: criteria provided, single submitter. Criteria: CeGaT Center For Human Genetics Tuebingen Variant Classification Criteria Version 2. Collection method: clinical testing. Allele origin: germline. Affected: yes. Observed: 7 variant alleles.
Comment: FLNC: BS1

Blueprint Genetics
Classification: Likely benign. Last evaluated: 2024-11-27. Review status: criteria provided, single submitter. Criteria: ACMG Guidelines, 2015. Collection method: clinical testing. Allele origin: germline.

CHEO Genetics Diagnostic Laboratory, Children's Hospital of Eastern Ontario
Classification: Benign for Cardiomyopathy. Last evaluated: 2022-11-18. Review status: criteria provided, single submitter. Criteria: ACMG Guidelines, 2015. Collection method: clinical testing. Allele origin: germline.

ARUP Laboratories, Molecular Genetics and Genomics, ARUP Laboratories
Classification: Likely benign. Last evaluated: 2022-09-12. Review status: criteria provided, single submitter. Criteria: ARUP Molecular Germline Variant Investigation Process 2021. Collection method: clinical testing. Allele origin: germline.

GeneDx
Classification: Benign. Last evaluated: 2020-01-28. Review status: criteria provided, single submitter. Criteria: GeneDx Variant Classification Process June 2021. Collection method: clinical testing. Allele origin: germline. Affected: yes.
Comment: This variant is associated with the following publications: (PMID: 26555887, 28356264, 27296017)

Ambry Genetics
Classification: Likely benign for Cardiovascular phenotype. Last evaluated: 2019-01-23. Review status: criteria provided, single submitter. Criteria: Ambry Variant Classification Scheme 2023. Collection method: clinical testing. Allele origin: germline.

Athena Diagnostics
Classification: Benign. Last evaluated: 2018-12-28. Review status: criteria provided, single submitter. Criteria: Athena Diagnostics Criteria. Collection method: clinical testing. Allele origin: germline.

Phosphorus, Inc.
Classification: Likely benign for Distal myopathy with posterior leg and anterior hand involvement. Last evaluated: 2017-08-01. Review status: criteria provided, single submitter. Criteria: ACMG Guidelines, 2015. Collection method: clinical testing. Allele origin: germline. Observed: 1 variant allele.

Phosphorus, Inc.
Classification: Likely benign for Myofibrillar myopathy 5. Last evaluated: 2017-08-01. Review status: criteria provided, single submitter. Criteria: ACMG Guidelines, 2015. Collection method: clinical testing. Allele origin: germline. Observed: 1 variant allele.

Phosphorus, Inc.
Classification: Likely benign for Hypertrophic cardiomyopathy 26. Last evaluated: 2017-08-01. Review status: criteria provided, single submitter. Criteria: ACMG Guidelines, 2015. Collection method: clinical testing. Allele origin: germline. Observed: 1 variant allele.

PreventionGenetics, part of Exact Sciences
Classification: Likely benign for FLNC-related condition. Last evaluated: 2020-08-20. Review status: no assertion criteria provided. Collection method: clinical testing. Allele origin: germline. Not counted in ClinVar's aggregate classification.
Comment: This variant is classified as likely benign based on ACMG/AMP sequence variant interpretation guidelines (Richards et al. 2015 PMID: 25741868, with internal and published modifications).

Clinical Genetics DNA and cytogenetics Diagnostics Lab, Erasmus MC, Erasmus Medical Center
Classification: Likely benign. Review status: no assertion criteria provided. Collection method: clinical testing. Allele origin: germline. Affected: yes. Study: VKGL Data-share Consensus. Not counted in ClinVar's aggregate classification.

Clinical Genetics, Academic Medical Center
Classification: Likely benign. Review status: no assertion criteria provided. Collection method: clinical testing. Allele origin: germline. Affected: yes. Study: VKGL Data-share Consensus. Not counted in ClinVar's aggregate classification.

Genome Diagnostics Laboratory, University Medical Center Utrecht
Classification: Likely benign. Review status: no assertion criteria provided. Collection method: clinical testing. Allele origin: germline. Affected: yes. Study: VKGL Data-share Consensus. Not counted in ClinVar's aggregate classification.

Joint Genome Diagnostic Labs from Nijmegen and Maastricht, Radboudumc and MUMC+
Classification: Likely benign. Review status: no assertion criteria provided. Collection method: clinical testing. Allele origin: germline. Affected: yes. Study: VKGL Data-share Consensus. Not counted in ClinVar's aggregate classification.

Laboratory of Diagnostic Genome Analysis, Leiden University Medical Center (LUMC)
Classification: Likely benign. Review status: no assertion criteria provided. Collection method: clinical testing. Allele origin: germline. Affected: yes. Study: VKGL Data-share Consensus. Not counted in ClinVar's aggregate classification.

Literature cited by the submitters: PubMed 28356264 (cited by 3 submitters); PubMed 27296017 (cited by Athena Diagnostics and Phosphorus, Inc.).

NM_001458.5(FLNC):c.6175G>A (p.Val2059Met)

Genes: FLNC (filamin C; plus strand), FLNC-AS1 (FLNC antisense RNA 1; minus strand). Cytogenetic location: 7q32.1.
Variant type: single nucleotide variant.
Coding change: c.6175G>A on transcript NM_001458.5 (MANE Select); coding-DNA position 6175, G replaced by A.
Protein change: p.Val2059Met; replaces valine 2059 with methionine.
Molecular consequence: missense variant.
Genome position (GRCh38, 1-based): chr7:128,852,998, G>A. VCF-style: chr7-128852998-G-A. GRCh37 (hg19) VCF-style: chr7-128493052-G-A.
Other names: p.Val2059Met; c.6076G>A, p.Val2026Met (NM_001127487.2); short protein forms V2059M, V2026M.
Identifiers: ClinVar variation 385717 (VCV000385717.53), dbSNP rs201333104, ClinGen allele CA4475900.
Genomic context (GRCh38, chr7:128,852,998, plus strand): 5'-GGGGACGCCAGCAAGGTGCGGGTCTGGGGCAAGGGGCTTTCCGAGGGACACACATTCCAG[G>A]TGGCAGAGTTCATCGTGGACACTCGCAATGCAGGTACCTCCTGCCCCAGAGAGCCCCCAT-3'
Protein context (NP_001449.3, residues 2049-2069): KGLSEGHTFQ[Val2059Met]AEFIVDTRNA